The following is an entry in ClinVar:

ClinVar aggregate classification (germline): Uncertain significance. Review status: criteria provided, multiple submitters, no conflicts (2 of 4 stars). 2 submissions from 2 submitters: Uncertain significance (2). Last evaluated 2023-02-22.

Conditions:
LAMA2-related muscular dystrophy (LAMA2-RD). Also called: Laminin alpha 2-related dystrophy. Identifiers: MedGen C5679788, MONDO:0100228.
Inborn genetic diseases. Identifiers: MedGen C0950123, MeSH D030342.

Allele frequency attached by ClinVar (database versions not stated): gnomAD exomes below 0.00001 and 0.00001; ExAC 0.00001; ESP Exome Variant Server 0.00008.
gnomAD v4.1: 5 of 1,613,750 alleles (0.00031%); highest among the groups gnomAD compares: Non-Finnish European, 0.00042%; no homozygotes.

Submissions (2):

Ambry Genetics
Classification: Uncertain significance for Inborn genetic diseases. Last evaluated: 2023-02-22. Review status: criteria provided, single submitter. Criteria: Ambry Variant Classification Scheme 2023. Collection method: clinical testing. Allele origin: germline.

Labcorp Genetics (formerly Invitae), Labcorp
Classification: Uncertain significance for LAMA2-related muscular dystrophy. Last evaluated: 2022-07-05. Review status: criteria provided, single submitter. Criteria: Invitae Variant Classification Sherloc (09022015). Collection method: clinical testing. Allele origin: germline.
Comment: This sequence change replaces aspartic acid, which is acidic and polar, with asparagine, which is neutral and polar, at codon 1375 of the LAMA2 protein (p.Asp1375Asn). This variant is present in population databases (rs146827694, gnomAD 0.0009%). This variant has not been reported in the literature in individuals affected with LAMA2-related conditions. ClinVar contains an entry for this variant (Variation ID: 845243). Advanced modeling of protein sequence and biophysical properties (such as structural, functional, and spatial information, amino acid conservation, physicochemical variation, residue mobility, and thermodynamic stability) performed at Invitae indicates that this missense variant is not expected to disrupt LAMA2 protein function. In summary, the available evidence is currently insufficient to determine the role of this variant in disease. Therefore, it has been classified as a Variant of Uncertain Significance.

NM_000426.4(LAMA2):c.4123G>A (p.Asp1375Asn)

Gene: LAMA2 (laminin subunit alpha 2; plus strand). Cytogenetic location: 6q22.33.
Variant type: single nucleotide variant.
Coding change: c.4123G>A on transcript NM_000426.4 (MANE Select); coding-DNA position 4123, G replaced by A.
Protein change: p.Asp1375Asn; replaces aspartic acid 1375 with asparagine.
Molecular consequence: missense variant.
Genome position (GRCh38, 1-based): chr6:129,320,602, G>A. VCF-style: chr6-129320602-G-A. GRCh37 (hg19) VCF-style: chr6-129641747-G-A.
Other names: c.4123G>A, p.Asp1375Asn (NM_001079823.2); short protein forms D1375N.
Identifiers: ClinVar variation 845243 (VCV000845243.8), dbSNP rs146827694, ClinGen allele CA3993452.